The following is an entry in ClinVar:

ClinVar aggregate classification (germline): Uncertain significance (1 of 4 stars; one submission).

Conditions:
Charcot-Marie-Tooth disease type 4. Also called: Charcot-Marie-Tooth, Type 4; Charcot-Marie-Tooth disease, type IV. Identifiers: Orphanet 64749, MedGen C4082197, MONDO:0018995.

Allele frequency attached by ClinVar (database versions not stated): gnomAD 0.00001; gnomAD exomes below 0.00001; TOPMed below 0.00001.
gnomAD v4.1: 3 of 1,613,130 alleles (0.00019%); highest among the groups gnomAD compares: Admixed American, 0.0017%; no homozygotes.

Submission:

Labcorp Genetics (formerly Invitae), Labcorp
Classification: Uncertain significance for Charcot-Marie-Tooth disease type 4. Last evaluated: 2021-09-01. Review status: criteria provided, single submitter. Criteria: Invitae Variant Classification Sherloc (09022015). Collection method: clinical testing. Allele origin: germline.
Comment: This sequence change replaces threonine with alanine at codon 601 of the FIG4 protein (p.Thr601Ala). The threonine residue is weakly conserved and there is a small physicochemical difference between threonine and alanine. This variant is not present in population databases (ExAC no frequency). This variant has not been reported in the literature in individuals affected with FIG4-related conditions. Algorithms developed to predict the effect of missense changes on protein structure and function output the following: SIFT: "Tolerated"; PolyPhen-2: "Benign"; Align-GVGD: "Class C0". The alanine amino acid residue is found in multiple mammalian species, which suggests that this missense change does not adversely affect protein function. In summary, the available evidence is currently insufficient to determine the role of this variant in disease. Therefore, it has been classified as a Variant of Uncertain Significance.

NM_014845.6(FIG4):c.1801A>G (p.Thr601Ala)

Gene: FIG4 (FIG4 phosphoinositide 5-phosphatase; plus strand). Cytogenetic location: 6q21.
Variant type: single nucleotide variant.
Coding change: c.1801A>G on transcript NM_014845.6 (MANE Select); coding-DNA position 1801, A replaced by G.
Protein change: p.Thr601Ala; replaces threonine 601 with alanine.
Molecular consequence: missense variant.
Genome position (GRCh38, 1-based): chr6:109,776,972, A>G. VCF-style: chr6-109776972-A-G. GRCh37 (hg19) VCF-style: chr6-110098175-A-G.
Other names: short protein forms T601A.
Identifiers: ClinVar variation 1000151 (VCV001000151.6), dbSNP rs986837200, ClinGen allele CA145168625.